The following is an entry in ClinVar:

ClinVar aggregate classification (germline): Uncertain significance (1 of 4 stars; one submission).

Conditions:
TGM5-related disorder. Also called: TGM5-related condition.

gnomAD v4.1: 78 of 1,613,676 alleles (0.0048%); highest among the groups gnomAD compares: Middle Eastern, 0.017%; no homozygotes.

Submission:

PreventionGenetics, part of Exact Sciences
Classification: Uncertain significance for TGM5-related condition. Last evaluated: 2025-12-10. Review status: criteria provided, single submitter. Criteria: ACMG Guidelines, 2015. Collection method: clinical testing. Allele origin: germline.
Comment: The TGM5 c.861A>G variant is not predicted to result in an amino acid change (p.=). Based on available splicing prediction programs (Alamut Visual v1.6.1; SpliceAI, Jaganathan et al. 2019. PubMed ID: 30661751), this variant is predicted to weaken the canonical splice donor site; however, the use of computer prediction programs is not equivalent to functional evidence. To our knowledge, this variant has not been reported in the literature. This variant is reported in 0.023% of alleles in individuals of Latino descent in gnomAD. At this time, the clinical significance of this variant is uncertain due to the absence of conclusive functional and genetic evidence.

NM_201631.4(TGM5):c.861A>G (p.Thr287=)

Gene: TGM5 (transglutaminase 5; minus strand). Cytogenetic location: 15q15.2.
Variant type: single nucleotide variant.
Coding change: c.861A>G on transcript NM_201631.4 (MANE Select); coding-DNA position 861, A replaced by G.
Protein change: p.Thr287=; no amino-acid change (threonine 287 retained).
Molecular consequence: synonymous variant.
Genome position (GRCh38, 1-based): chr15:43,252,760, T>C on the plus strand (A>G on the coding strand, the complement: TGM5 is on the minus strand). VCF-style: chr15-43252760-T-C. GRCh37 (hg19) VCF-style: chr15-43544958-T-C.
Other names: c.615A>G, p.Thr205= (NM_004245.4).
Identifiers: ClinVar variation 4979236 (VCV004979236.1).